The following is an entry in ClinVar:

NM_002617.4(PEX10):c.735_738del (p.Lys247fs)

Gene: PEX10 (peroxisomal biogenesis factor 10; minus strand). Cytogenetic location: 1p36.32.
Variant type: Deletion.
Coding change: c.735_738del on transcript NM_002617.4 (MANE Select); coding-DNA positions 735 to 738, 4 bases deleted (CAGG; older notation c.735_738delCAGG).
Protein change: p.Lys247fs; shifts the reading frame from lysine 247.
Molecular consequence: frameshift variant. On other transcripts: non-coding transcript variant (1).
Genome position (GRCh38, 1-based): chr1:2,406,758-2,406,761, CCTG deleted on the plus strand (CAGG on the coding strand, the reverse complement: PEX10 is on the minus strand). VCF-style (leftmost placement, unchanged base first): chr1-2406757-TCCTG-T. GRCh37 (hg19) VCF-style: chr1-2338196-TCCTG-T.
Other names: c.792_795del, p.Lys266fs (NM_001374425.1); c.360_363del, p.Lys122fs (NM_001374426.1); c.303_306del, p.Lys103fs (NM_001374427.1); c.795_798del, p.Lys267fs (NM_153818.2); short protein forms K122fs, K266fs, K103fs, K267fs, K247fs.
Identifiers: ClinVar variation 2036706 (VCV002036706.4), dbSNP rs2522259217, ClinGen allele CA2580062533.

ClinVar aggregate classification (germline): Pathogenic (1 of 4 stars; one submission).

Conditions:
Peroxisome biogenesis disorder, complementation group 7 (CG7). Also called: Peroxisome biogenesis disorder, complementation group B. Identifiers: MedGen C1864399.

Submission:

Labcorp Genetics (formerly Invitae), Labcorp
Classification: Pathogenic for Peroxisome biogenesis disorder, complementation group 7. Last evaluated: 2022-10-25. Review status: criteria provided, single submitter. Criteria: Invitae Variant Classification Sherloc (09022015). Collection method: clinical testing. Allele origin: germline.
Comment: For these reasons, this variant has been classified as Pathogenic. This variant disrupts a region of the PEX10 protein in which other variant(s) (p.Arg331Gln) have been determined to be pathogenic (PMID: 20695019, 27230853). This suggests that this is a clinically significant region of the protein, and that variants that disrupt it are likely to be disease-causing. This variant has not been reported in the literature in individuals affected with PEX10-related conditions. This variant is not present in population databases (gnomAD no frequency). This sequence change results in a frameshift in the PEX10 gene (p.Lys267Serfs*96). While this is not anticipated to result in nonsense mediated decay, it is expected to disrupt the last 80 amino acid(s) of the PEX10 protein and extend the protein by 15 additional amino acid residues.

Literature cited by the submitters: PubMed 20695019; PubMed 27230853.